The following is an entry in ClinVar:

ClinVar aggregate classification (germline): Pathogenic/Likely pathogenic. Review status: criteria provided, multiple submitters, no conflicts (2 of 4 stars). 10 submissions from 10 submitters: Pathogenic (4); Likely pathogenic (2). 4 of the submissions do not count toward it. Last evaluated 2025-05-22.

Conditions:
RHO-related disorder. Also called: RHO-related condition.
Retinal dystrophy. Also called: Inherited retinal dystrophy. Identifiers: Orphanet 71862, MedGen C0854723, MeSH D058499, MONDO:0019118, HP:0000556.
Retinitis pigmentosa 4 (RP4). Also called: RETINITIS PIGMENTOSA, RHODOPSIN-RELATED. Identifiers: Orphanet 791, MedGen C3151001, MONDO:0013395, OMIM 613731.

Allele frequency attached by ClinVar (database versions not stated): gnomAD exomes below 0.00001.
gnomAD v4.1: 2 of 1,614,032 alleles (0.00012%); highest among the groups gnomAD compares: East Asian, 0.0022%; no homozygotes.

Submissions (10):

Labcorp Genetics (formerly Invitae), Labcorp
Classification: Pathogenic. Last evaluated: 2025-05-22. Review status: criteria provided, single submitter. Criteria: Invitae Variant Classification Sherloc (09022015). Collection method: clinical testing. Allele origin: germline.
Comment: This sequence change replaces aspartic acid, which is acidic and polar, with asparagine, which is neutral and polar, at codon 190 of the RHO protein (p.Asp190Asn). This variant is present in population databases (rs104893779, gnomAD 0.006%). This missense change has been observed in individual(s) with autosomal dominant retinitis pigmentosa (PMID: 1765377, 19085385). It has also been observed to segregate with disease in related individuals. ClinVar contains an entry for this variant (Variation ID: 13023). Invitae Evidence Modeling of protein sequence and biophysical properties (such as structural, functional, and spatial information, amino acid conservation, physicochemical variation, residue mobility, and thermodynamic stability) has been performed for this missense variant. However, the output from this modeling did not meet the statistical confidence thresholds required to predict the impact of this variant on RHO protein function. Experimental studies have shown that this missense change affects RHO function (PMID: 22252712, 23625926, 24520188). For these reasons, this variant has been classified as Pathogenic.

Dept Of Ophthalmology, Nagoya University
Classification: Likely pathogenic for Retinal dystrophy. Last evaluated: 2023-10-01. Review status: criteria provided, single submitter. Criteria: Submitter's publication. Collection method: research. Allele origin: germline. Affected: yes.

Blueprint Genetics
Classification: Pathogenic for RHO-related disorders. Last evaluated: 2022-12-19. Review status: criteria provided, single submitter. Criteria: ACMG Guidelines, 2015. Collection method: clinical testing. Allele origin: germline. Affected: yes. Observed: 5 variant alleles.

Institute of Human Genetics, Univ. Regensburg, Univ. Regensburg
Classification: Pathogenic for Retinal dystrophy. Last evaluated: 2022-01-01. Review status: criteria provided, single submitter. Criteria: ACMG Guidelines, 2015. Collection method: clinical testing. Allele origin: germline. Affected: yes.

Centre for Genomic Medicine, Manchester, Central Manchester University Hospitals
Classification: Pathogenic for Retinitis pigmentosa 4. Last evaluated: 2020-09-01. Review status: criteria provided, single submitter. Criteria: ACMG Guidelines, 2015. Collection method: clinical testing. Allele origin: germline. Affected: yes. Observed: 4 heterozygotes.

Juno Genomics, Hangzhou Juno Genomics, Inc
Classification: Likely pathogenic for Retinitis pigmentosa 4. Review status: criteria provided, single submitter. Criteria: ACMG Guidelines, 2015. Collection method: clinical testing. Allele origin: germline.
Comment: Absent from controls (or at extremely low frequency if recessive) in Genome Aggregation Database.;The prevalence of the variant in affected individuals is significantly increased compared to the prevalence in controls.;Co-segregation with disease in multiple affected family members.

OMIM
Classification: Pathogenic for RETINITIS PIGMENTOSA 4. Last evaluated: 1991-09-01. Review status: no assertion criteria provided. Collection method: literature only. Allele origin: germline. Not counted in ClinVar's aggregate classification.

Clinical Genetics DNA and cytogenetics Diagnostics Lab, Erasmus MC, Erasmus Medical Center
Classification: Pathogenic. Review status: no assertion criteria provided. Collection method: clinical testing. Allele origin: germline. Affected: yes. Study: VKGL Data-share Consensus. Not counted in ClinVar's aggregate classification.

Clinical Genetics, Academic Medical Center
Classification: Pathogenic. Review status: no assertion criteria provided. Collection method: clinical testing. Allele origin: germline. Affected: yes. Study: VKGL Data-share Consensus. Not counted in ClinVar's aggregate classification.

Joint Genome Diagnostic Labs from Nijmegen and Maastricht, Radboudumc and MUMC+
Classification: Pathogenic. Review status: no assertion criteria provided. Collection method: clinical testing. Allele origin: germline. Affected: yes. Study: VKGL Data-share Consensus. Not counted in ClinVar's aggregate classification.

Literature cited by the submitters: PubMed 1765377 (cited by 3 submitters); PubMed 19085385 (cited by Labcorp Genetics (formerly Invitae), Labcorp and Institute of Human Genetics, Univ. Regensburg, Univ. Regensburg); PubMed 22252712 (cited by Labcorp Genetics (formerly Invitae), Labcorp and Institute of Human Genetics, Univ. Regensburg, Univ. Regensburg); PubMed 23625926 (cited by Labcorp Genetics (formerly Invitae), Labcorp and Institute of Human Genetics, Univ. Regensburg, Univ. Regensburg); PubMed 24520188 (cited by Labcorp Genetics (formerly Invitae), Labcorp and Institute of Human Genetics, Univ. Regensburg, Univ. Regensburg); PubMed 11139241 (cited by Institute of Human Genetics, Univ. Regensburg, Univ. Regensburg); PubMed 21094163 (cited by Institute of Human Genetics, Univ. Regensburg, Univ. Regensburg); PubMed 31213501 (cited by Institute of Human Genetics, Univ. Regensburg, Univ. Regensburg); PubMed 30976840 (cited by Institute of Human Genetics, Univ. Regensburg, Univ. Regensburg); PubMed 30977563 (cited by Institute of Human Genetics, Univ. Regensburg, Univ. Regensburg); PubMed 32326409 (cited by Institute of Human Genetics, Univ. Regensburg, Univ. Regensburg); PubMed 31964843 (cited by Institute of Human Genetics, Univ. Regensburg, Univ. Regensburg); PubMed 32795431 (cited by Institute of Human Genetics, Univ. Regensburg, Univ. Regensburg); PubMed 33688152 (cited by Institute of Human Genetics, Univ. Regensburg, Univ. Regensburg).

NM_000539.3(RHO):c.568G>A (p.Asp190Asn)

Gene: RHO (rhodopsin; plus strand). Cytogenetic location: 3q22.1.
Variant type: single nucleotide variant.
Coding change: c.568G>A on transcript NM_000539.3 (MANE Select); coding-DNA position 568, G replaced by A.
Protein change: p.Asp190Asn; replaces aspartic acid 190 with asparagine.
Molecular consequence: missense variant.
Genome position (GRCh38, 1-based): chr3:129,532,288, G>A. VCF-style: chr3-129532288-G-A. GRCh37 (hg19) VCF-style: chr3-129251131-G-A.
Other names: short protein forms D190N.
Identifiers: ClinVar variation 13023 (VCV000013023.19), dbSNP rs104893779, ClinGen allele CA256670.